The following is an entry in ClinVar:

NM_032217.5(ANKRD17):c.4870_4893del (p.Asp1624_Ser1631del)

Gene: ANKRD17 (ankyrin repeat domain 17; minus strand). Cytogenetic location: 4q13.3.
Variant type: Deletion.
Coding change: c.4870_4893del on transcript NM_032217.5 (MANE Select); coding-DNA positions 4870 to 4893, 24 bases deleted (GATGAAAGTAGTAACAGCAACAGC).
Protein change: p.Asp1624_Ser1631del.
Genome position (GRCh38, 1-based): chr4:73,098,201-73,098,224, GCTGTTGCTGTTACTACTTTCATC deleted on the plus strand (GATGAAAGTAGTAACAGCAACAGC on the coding strand, the reverse complement: ANKRD17 is on the minus strand); deleting any 24 consecutive bases within chr4:73,098,201-73,098,228 gives the same sequence; the c. name uses the placement nearest the transcript's 3' end. VCF-style (leftmost placement, unchanged base first): chr4-73098200-TGCTGTTGCTGTTACTACTTTCATC-T. GRCh37 (hg19) VCF-style: chr4-73963917-TGCTGTTGCTGTTACTACTTTCATC-T.
Other names: c.4531_4554del, p.Asp1511_Ser1518del (NM_001286771.3); c.4867_4890del, p.Asp1623_Ser1630del (NM_015574.2); c.4117_4140del, p.Asp1373_Ser1380del (NM_198889.3).
Identifiers: ClinVar variation 3360370 (VCV003360370.1).
Genomic context (GRCh38, chr4:73,098,200, plus strand): 5'-GCTTTTTGCTGCTCACAGTGGTAGTGACCACAGCTGGTGAATGATTGTCACTCTTACGAC[TGCTGTTGCTGTTACTACTTTCATC>T]GCTGCAGCTGGAAATCCTCATGTTATCACTGTCCCCACTCTCGCTGGTACTGCTGCTCTT-3'

ClinVar aggregate classification (germline): Uncertain significance (1 of 4 stars; one submission).

Submission:

GeneDx
Classification: Uncertain significance. Last evaluated: 2023-06-22. Review status: criteria provided, single submitter. Criteria: GeneDx Variant Classification Process June 2021. Collection method: clinical testing. Allele origin: germline. Affected: yes.
Comment: Not observed at significant frequency in large population cohorts (gnomAD); In-frame deletion of 8 amino acids in a non-repeat region; In silico analysis supports a deleterious effect on protein structure/function; Has not been previously published as pathogenic or benign to our knowledge